The following is an entry in ClinVar:

NM_001017995.3(SH3PXD2B):c.2618G>C (p.Gly873Ala)

Gene: SH3PXD2B (SH3 and PX domains 2B; minus strand). Cytogenetic location: 5q35.1.
Variant type: single nucleotide variant.
Coding change: c.2618G>C on transcript NM_001017995.3 (MANE Select); coding-DNA position 2618, G replaced by C.
Protein change: p.Gly873Ala; replaces glycine 873 with alanine.
Molecular consequence: missense variant. On other transcripts: intron variant (1).
Genome position (GRCh38, 1-based): chr5:172,338,487, C>G on the plus strand (G>C on the coding strand, the complement: SH3PXD2B is on the minus strand). VCF-style: chr5-172338487-C-G. GRCh37 (hg19) VCF-style: chr5-171765491-C-G.
Other names: c.1188+7649G>C (NM_001308175.2); short protein forms G873A.
Identifiers: ClinVar variation 451250 (VCV000451250.2), dbSNP rs1428244591, ClinGen allele CA362145053.

ClinVar aggregate classification (germline): Uncertain significance (1 of 4 stars; one submission).

Submission:

GeneDx
Classification: Uncertain significance. Last evaluated: 2017-08-18. Review status: criteria provided, single submitter. Criteria: GeneDx Variant Classification (06012015). Collection method: clinical testing. Allele origin: germline. Affected: yes.
Comment: The G873A variant in the SH3PXD2B gene has not been reported previously as a pathogenic variant, nor as a benign variant, to our knowledge. The G873A variant is not observed in large population cohorts (Lek et al., 2016; 1000 Genomes Consortium et al., 2015; Exome Variant Server). The G873A variant is a conservative amino acid substitution, which is not likely to impact secondary protein structure as these residues share similar properties. This substitution occurs at a position that is conserved across species. In silico analysis predicts this variant is probably damaging to the protein structure/function. We interpret G873A as a variant of uncertain significance.